The following is an entry in ClinVar:

NM_017514.5(PLXNA3):c.5159T>C (p.Leu1720Pro)

Gene: PLXNA3 (plexin A3; plus strand). Cytogenetic location: Xq28.
Variant type: single nucleotide variant.
Coding change: c.5159T>C on transcript NM_017514.5 (MANE Select); coding-DNA position 5159, T replaced by C.
Protein change: p.Leu1720Pro; replaces leucine 1720 with proline.
Molecular consequence: missense variant.
Genome position (GRCh38, 1-based): chrX:154,471,107, T>C. VCF-style: chrX-154471107-T-C. GRCh37 (hg19) VCF-style: chrX-153699450-T-C.
Other names: short protein forms L1720P.
Identifiers: ClinVar variation 3348065 (VCV003348065.1).

ClinVar aggregate classification (germline): Uncertain significance (0 of 4 stars; one submission).

Conditions:
PLXNA3-related disorder. Also called: PLXNA3-related condition.

Submission:

PreventionGenetics, part of Exact Sciences
Classification: Uncertain significance for PLXNA3-related condition. Last evaluated: 2024-01-03. Review status: no assertion criteria provided. Collection method: clinical testing. Allele origin: germline.
Comment: The PLXNA3 c.5159T>C variant is predicted to result in the amino acid substitution p.Leu1720Pro. To our knowledge, this variant has not been reported in the literature or in a large population database, indicating this variant is rare. At this time, the clinical significance of this variant is uncertain due to the absence of conclusive functional and genetic evidence.